The following is an entry in ClinVar:

NM_001291415.2(KDM6A):c.3811T>C (p.Trp1271Arg)

Gene: KDM6A (lysine demethylase 6A; plus strand). Cytogenetic location: Xp11.3.
Variant type: single nucleotide variant.
Coding change: c.3811T>C on transcript NM_001291415.2 (MANE Select); coding-DNA position 3811, T replaced by C.
Protein change: p.Trp1271Arg; replaces tryptophan 1271 with arginine.
Molecular consequence: missense variant. On other transcripts: non-coding transcript variant (1).
Genome position (GRCh38, 1-based): chrX:45,089,849, T>C. VCF-style: chrX-45089849-T-C. GRCh37 (hg19) VCF-style: chrX-44949094-T-C.
Other names: c.3676T>C, p.Trp1226Arg (NM_001291416.2); c.3520T>C, p.Trp1174Arg (NM_001291417.2); c.3418T>C, p.Trp1140Arg (NM_001291418.2); c.2767T>C, p.Trp923Arg (NM_001291421.2); c.3655T>C, p.Trp1219Arg (NM_021140.4); short protein forms W1140R, W1219R, W923R, W1271R, W1174R, W1226R.
Identifiers: ClinVar variation 973311 (VCV000973311.5), dbSNP rs2045816079, ClinGen allele CA412807227.
Genomic context (GRCh38, chrX:45,089,849, plus strand): 5'-GATCTTTATGAAGCAAATGTTCCAGTGTATAGGTTTATTCAGCGACCTGGAGATTTGGTC[T>C]GGATAAATGCAGGCACTGTTCATTGGGTTCAGGCTATTGGCTGGTGCAACAACATTGCTT-3'
Protein context (NP_001278344.1, residues 1261-1281): RFIQRPGDLV[Trp1271Arg]INAGTVHWVQ

ClinVar aggregate classification (germline): Conflicting classifications of pathogenicity. Review status: criteria provided, conflicting classifications (1 of 4 stars). 2 submissions from 2 submitters: Likely pathogenic (1); Uncertain significance (1). Last evaluated 2020-04-02.

Conditions:
Kabuki Syndrome - KDM6A.

Submissions (2):

Illumina Laboratory Services, Illumina
Classification: Likely pathogenic for Kabuki Syndrome - KDM6A. Last evaluated: 2020-04-02. Review status: criteria provided, single submitter. Criteria: ICSLVariantClassificationCriteria RUGD 01 April 2020. Collection method: clinical testing. Allele origin: unknown.
Comment: The KDM6A c.3655T>C (p.Trp1219Arg) variant is a missense variant. A literature search was performed for the gene, cDNA change, and amino acid change. No publications were found based on this search. This variant is not found in the Genome Aggregation Database in a region of good sequence coverage, so the variant is presumed to be rare. The Trp1219 residue is predicted to be highly conserved and lies in the Jumonji C catalytic domain of the KDM6A protein (Bâˆšâˆ‚gershausen et al. 2016). Based on the rarity of the variant and identification in a de novo state in the patient, the p.Trp1219Arg variant is classified as likely pathogenic for Kabuki syndrome.

Athena Diagnostics
Classification: Uncertain significance. Last evaluated: 2019-11-14. Review status: criteria provided, single submitter. Criteria: Athena Diagnostics Criteria. Collection method: clinical testing. Allele origin: unknown.
Comment: This observation is not an independent occurrence and has been identified in the same individual by RCIGM, the other laboratory participating in the GEMINI study.